The following is an entry in ClinVar:

NM_004448.4(ERBB2):c.2296G>A (p.Glu766Lys)

Gene: ERBB2 (erb-b2 receptor tyrosine kinase 2; plus strand). Cytogenetic location: 17q12.
Variant type: single nucleotide variant.
Coding change: c.2296G>A on transcript NM_004448.4 (MANE Select); coding-DNA position 2296, G replaced by A.
Protein change: p.Glu766Lys; replaces glutamic acid 766 with lysine.
Molecular consequence: missense variant. On other transcripts: non-coding transcript variant (1), intron variant (2).
Genome position (GRCh38, 1-based): chr17:39,723,999, G>A. VCF-style: chr17-39723999-G-A. GRCh37 (hg19) VCF-style: chr17-37880252-G-A.
Other names: c.2206G>A, p.Glu736Lys (NM_001005862.3, NM_001382782.1, NM_001382783.1); c.2251G>A, p.Glu751Lys (NM_001289936.2); c.2296G>A, p.Glu766Lys (NM_001289937.2, NM_001382796.1, NM_001382798.1 and 1 more transcripts); c.2287G>A, p.Glu763Lys (NM_001382791.1); c.2260G>A, p.Glu754Lys (NM_001382792.1); c.2254G>A, p.Glu752Lys (NM_001382793.1, NM_001382794.1, NM_001382803.1); c.2248G>A, p.Glu750Lys (NM_001382795.1, NM_001382801.1); c.2116G>A, p.Glu706Lys (NM_001382799.1); and 11 more; short protein forms E420K, E490K, E680K, E706K, E736K, E750K, E751K, E752K.
Identifiers: ClinVar variation 1718217 (VCV001718217.5), dbSNP rs2145827927, ClinGen allele CA399302664.

ClinVar aggregate classification (germline): Uncertain significance (1 of 4 stars; one submission).

Submission:

Labcorp Genetics (formerly Invitae), Labcorp
Classification: Uncertain significance. Last evaluated: 2022-08-28. Review status: criteria provided, single submitter. Criteria: Invitae Variant Classification Sherloc (09022015). Collection method: clinical testing. Allele origin: germline.
Comment: This variant has not been reported in the literature in individuals affected with ERBB2-related conditions. This variant is not present in population databases (gnomAD no frequency). This sequence change replaces glutamic acid, which is acidic and polar, with lysine, which is basic and polar, at codon 766 of the ERBB2 protein (p.Glu766Lys). In summary, the available evidence is currently insufficient to determine the role of this variant in disease. Therefore, it has been classified as a Variant of Uncertain Significance. Algorithms developed to predict the effect of missense changes on protein structure and function (SIFT, PolyPhen-2, Align-GVGD) all suggest that this variant is likely to be disruptive.